The following is an entry in ClinVar:

ClinVar aggregate classification (germline): Likely pathogenic (1 of 4 stars; one submission).

Conditions:
Gaucher disease. Also called: Acute cerebral Gaucher disease; Cerebroside lipidosis syndrome; Gaucher splenomegaly; Sphingolipidosis 1; Glucocerebrosidosis; Glucosylceramidase deficiency. Identifiers: Orphanet 355, MedGen C0017205, MONDO:0018150.

Submission:

Natera, Inc.
Classification: Likely pathogenic for Gaucher disease. Last evaluated: 2025-12-22. Review status: criteria provided, single submitter. Criteria: Natera Variant Classification Schema (03/2026). Collection method: clinical testing. Allele origin: germline.
Comment: The c.1002dup variant in GBA1 is a frameshift variant predicted to shift the reading frame beginning at codon 335 and leads to a stop codon 8 codons downstream. This variant is expected to result in nonsense mediated decay, truncation, or a dysfunctional protein product. This variant is rare in the general population with a frequency below the threshold expected for the associated phenotype(s). Given the available evidence, this variant is classified as Likely Pathogenic.

NM_000157.4(GBA1):c.1002dup (p.Leu335fs)

Genes: GBA1 (glucosylceramidase beta 1; minus strand), LOC106627981 (GBA recombination region; plus strand). Cytogenetic location: 1q22.
Variant type: Duplication.
Coding change: c.1002dup on transcript NM_000157.4 (MANE Select); coding-DNA position 1002, one base duplicated (A; older notation c.1002dupA).
Protein change: p.Leu335fs; shifts the reading frame from leucine 335.
Molecular consequence: frameshift variant.
Genome position (GRCh38, 1-based): chr1:155,236,467, T duplicated on the plus strand (A on the coding strand, the reverse complement: GBA1 is on the minus strand). VCF-style (leftmost placement, unchanged base first): chr1-155236466-G-GT. GRCh37 (hg19) VCF-style: chr1-155206257-G-GT.
Other names: c.1002dup, p.Leu335fs (NM_001005741.3, NM_001005742.3); c.741dup, p.Leu248fs (NM_001171811.2); c.855dup, p.Leu286fs (NM_001171812.2); short protein forms L248fs, L286fs, L335fs.
Identifiers: ClinVar variation 4817660 (VCV004817660.1).
Genomic context (GRCh38, chr1:155,236,466, plus strand): 5'-AGTCCAGGTACCAATGTACAGCAATGCCATGAACATATTTAGCTGCTTCTGGGTCTGTCA[G>GT]TACCTGCAAAGGAAGAGCAACTGATCCTGGACCTTGCACACAGGCTTCTGGAACTTCTAG-3'